The following is an entry in ClinVar:

NM_000081.4(LYST):c.10459C>T (p.Gln3487Ter)

Gene: LYST (lysosomal trafficking regulator; minus strand). Cytogenetic location: 1q42.3.
Variant type: single nucleotide variant.
Coding change: c.10459C>T on transcript NM_000081.4 (MANE Select); coding-DNA position 10459, C replaced by T.
Protein change: p.Gln3487Ter; replaces glutamine 3487 with a stop codon.
Molecular consequence: nonsense.
Genome position (GRCh38, 1-based): chr1:235,697,188, G>A on the plus strand (C>T on the coding strand, the complement: LYST is on the minus strand). VCF-style: chr1-235697188-G-A. GRCh37 (hg19) VCF-style: chr1-235860488-G-A.
Other names: c.10459C>T, p.Gln3487Ter (NM_001301365.1); short protein forms Q3487*.
Identifiers: ClinVar variation 2629539 (VCV002629539.1), dbSNP rs2527285147, ClinGen allele CA344929134.
Genomic context (GRCh38, chr1:235,697,188, plus strand): 5'-AACCACAGATTGCTCTGGTGGGCAGAGCCTGGAGAGAGCCAAATCTTTCTCCGTGGGGCT[G>A]GCTGAAGCAGACCACAGGTACTGGAGCACTGGGGGAACCCACGTATTCCCCCCATTTCAA-3'

ClinVar aggregate classification (germline): Pathogenic (1 of 4 stars; one submission).

Conditions:
LYST-related disorder. Also called: LYST-related condition.

Allele frequency attached by ClinVar (database versions not stated): gnomAD exomes below 0.00001.
gnomAD v4.1: 1 of 1,614,154 alleles (0.000062%); highest among the groups gnomAD compares: Non-Finnish European, 0.000085%; no homozygotes.

Submission:

PreventionGenetics, part of Exact Sciences
Classification: Pathogenic for LYST-related condition. Last evaluated: 2023-05-24. Review status: criteria provided, single submitter. Criteria: ACMG Guidelines, 2015. Collection method: clinical testing. Allele origin: germline.
Comment: The LYST c.10459C>T variant is predicted to result in premature protein termination (p.Gln3487*). To our knowledge, this variant has not been reported in the literature or in a large population database, indicating this variant is rare. Nonsense variants in LYST are expected to be pathogenic. Therefore we interpret c.10459C>T (p.Gln3487*) as pathogenic.